The following is an entry in ClinVar:

ClinVar aggregate classification (germline): Uncertain significance (1 of 4 stars; one submission).

Conditions:
Hereditary cancer-predisposing syndrome. Also called: Hereditary neoplastic syndrome; Neoplastic Syndromes, Hereditary; Tumor predisposition; Hereditary Cancer Syndrome. Identifiers: Orphanet 140162, MedGen C0027672, MeSH D009386, MONDO:0015356.

gnomAD v4.1: 1 of 1,614,108 alleles (0.000062%); highest among the groups gnomAD compares: Non-Finnish European, 0.000085%; no homozygotes.

Submission:

Ambry Genetics
Classification: Uncertain significance for Hereditary cancer-predisposing syndrome. Last evaluated: 2025-02-08. Review status: criteria provided, single submitter. Criteria: Ambry Variant Classification Scheme 2023. Collection method: clinical testing. Allele origin: germline.
Comment: The p.S289N variant (also known as c.866G>A), located in coding exon 10 of the BAP1 gene, results from a G to A substitution at nucleotide position 866. The serine at codon 289 is replaced by asparagine, an amino acid with highly similar properties. This amino acid position is conserved. In addition, this alteration is predicted to be tolerated by in silico analysis. Based on the available evidence, the clinical significance of this variant remains unclear.

NM_004656.4(BAP1):c.866G>A (p.Ser289Asn)

Gene: BAP1 (BRCA1 associated deubiquitinase 1; minus strand). Cytogenetic location: 3p21.1.
Variant type: single nucleotide variant.
Coding change: c.866G>A on transcript NM_004656.4 (MANE Select); coding-DNA position 866, G replaced by A.
Protein change: p.Ser289Asn; replaces serine 289 with asparagine.
Molecular consequence: missense variant.
Genome position (GRCh38, 1-based): chr3:52,405,830, C>T on the plus strand (G>A on the coding strand, the complement: BAP1 is on the minus strand). VCF-style: chr3-52405830-C-T. GRCh37 (hg19) VCF-style: chr3-52439846-C-T.
Other names: c.812G>A, p.Ser271Asn (NM_001410772.1); short protein forms S271N, S289N.
Identifiers: ClinVar variation 3819260 (VCV003819260.1).